The following is an entry in ClinVar:

ClinVar aggregate classification (germline): Uncertain significance (1 of 4 stars; one submission).

gnomAD v4.1: 1 of 1,614,040 alleles (0.000062%); highest among the groups gnomAD compares: Non-Finnish European, 0.000085%; no homozygotes.

Submission:

Labcorp Genetics (formerly Invitae), Labcorp
Classification: Uncertain significance. Last evaluated: 2024-10-15. Review status: criteria provided, single submitter. Criteria: Invitae Variant Classification Sherloc (09022015). Collection method: clinical testing. Allele origin: germline.
Comment: This sequence change replaces isoleucine, which is neutral and non-polar, with methionine, which is neutral and non-polar, at codon 1118 of the FLNB protein (p.Ile1118Met). This variant is not present in population databases (gnomAD no frequency). This variant has not been reported in the literature in individuals affected with FLNB-related conditions. Invitae Evidence Modeling of protein sequence and biophysical properties (such as structural, functional, and spatial information, amino acid conservation, physicochemical variation, residue mobility, and thermodynamic stability) indicates that this missense variant is not expected to disrupt FLNB protein function with a negative predictive value of 95%. In summary, the available evidence is currently insufficient to determine the role of this variant in disease. Therefore, it has been classified as a Variant of Uncertain Significance.

NM_001457.4(FLNB):c.3354A>G (p.Ile1118Met)

Gene: FLNB (filamin B; plus strand). Cytogenetic location: 3p14.3.
Variant type: single nucleotide variant.
Coding change: c.3354A>G on transcript NM_001457.4 (MANE Select); coding-DNA position 3354, A replaced by G.
Protein change: p.Ile1118Met; replaces isoleucine 1118 with methionine.
Molecular consequence: missense variant.
Genome position (GRCh38, 1-based): chr3:58,123,320, A>G. VCF-style: chr3-58123320-A-G. GRCh37 (hg19) VCF-style: chr3-58109047-A-G.
Other names: c.3354A>G, p.Ile1118Met (NM_001164317.2, NM_001164318.2, NM_001164319.2); short protein forms I1118M.
Identifiers: ClinVar variation 3635722 (VCV003635722.2).
Genomic context (GRCh38, chr3:58,123,320, plus strand): 5'-TTACCTTCCCACAAAACCCGGGGAGTACTTCGTCAACATCCTCTTTGAAGAAGTCCACAT[A>G]CCTGGGTCTCCCTTCAAAGCTGACATTGAAATGCCCTTTGACCCCTCTAAAGTCGTGGCA-3'
Protein context (NP_001448.2, residues 1108-1128): FVNILFEEVH[Ile1118Met]PGSPFKADIE